The following is an entry in ClinVar:

ClinVar aggregate classification (germline): Benign (1 of 4 stars; one submission).

Conditions:
Leigh syndrome (NULS). Also called: Leigh's necrotizing encephalopathy; Leigh's disease; Leigh Syndrome (mtDNA deletion); Leigh Disease; Subacute necrotizing encephalopathy; Necrotizing encephalopathy infantile subacute of Leigh. Identifiers: Orphanet 506, MedGen C2931891, MONDO:0009723, OMIM 256000.

Submission:

Wong Mito Lab, Molecular and Human Genetics, Baylor College of Medicine
Classification: Benign for Leigh syndrome. Last evaluated: 2019-10-17. Review status: criteria provided, single submitter. Criteria: Modified ACMG Guidelines (Unpublished). Collection method: clinical testing. Allele origin: germline.
Comment: The NC_012920.1:m.8602T>C (YP_003024031.1:p.Phe26Leu) variant in MTATP6 gene is interpretated to be a Benign variant based on the modified ACMG guidelines (unpublished). This variant meets the following evidence codes: BS1, BS2, BP4

NC_012920.1(MT-ATP6):m.8602T>C

Gene: MT-ATP6 (mitochondrially encoded ATP synthase 6; plus strand).
Variant type: single nucleotide variant.
Genome position: chrM-8602-T-C.
Identifiers: ClinVar variation 692920 (VCV000692920.1), dbSNP rs1556423501, ClinGen allele CA414796877.